The following is an entry in ClinVar:

NM_001005273.3(CHD3):c.5575G>A (p.Ala1859Thr)

Gene: CHD3 (chromodomain helicase DNA binding protein 3; plus strand). Cytogenetic location: 17p13.1.
Variant type: single nucleotide variant.
Coding change: c.5575G>A on transcript NM_001005273.3 (MANE Select); coding-DNA position 5575, G replaced by A.
Protein change: p.Ala1859Thr; replaces alanine 1859 with threonine.
Molecular consequence: missense variant.
Genome position (GRCh38, 1-based): chr17:7,909,323, G>A. VCF-style: chr17-7909323-G-A. GRCh37 (hg19) VCF-style: chr17-7812641-G-A.
Other names: c.5752G>A, p.Ala1918Thr (NM_001005271.3); c.5473G>A, p.Ala1825Thr (NM_005852.4); short protein forms A1825T, A1859T, A1918T.
Identifiers: ClinVar variation 3764169 (VCV003764169.1).

ClinVar aggregate classification (germline): Uncertain significance (1 of 4 stars; one submission).

gnomAD v4.1: 2 of 1,557,092 alleles (0.00013%); highest among the groups gnomAD compares: East Asian, 0.0024%; no homozygotes.

Submission:

GeneDx
Classification: Uncertain significance. Last evaluated: 2024-08-23. Review status: criteria provided, single submitter. Criteria: GeneDx Variant Classification Process June 2021. Collection method: clinical testing. Allele origin: germline. Affected: yes.
Comment: Not observed at significant frequency in large population cohorts (gnomAD); In silico analysis supports that this missense variant has a deleterious effect on protein structure/function; Has not been previously published as pathogenic or benign to our knowledge